The following is an entry in ClinVar:

NM_000168.6(GLI3):c.3400C>T (p.Leu1134=)

Gene: GLI3 (GLI family zinc finger 3; minus strand). Cytogenetic location: 7p14.1.
Variant type: single nucleotide variant.
Coding change: c.3400C>T on transcript NM_000168.6 (MANE Select); coding-DNA position 3400, C replaced by T.
Protein change: p.Leu1134=; no amino-acid change (leucine 1134 retained).
Molecular consequence: synonymous variant.
Genome position (GRCh38, 1-based): chr7:41,965,673, G>A on the plus strand (C>T on the coding strand, the complement: GLI3 is on the minus strand). VCF-style: chr7-41965673-G-A. GRCh37 (hg19) VCF-style: chr7-42005271-G-A.
Identifiers: ClinVar variation 3054472 (VCV003054472.2), dbSNP rs2484372877, ClinGen allele CA454662004.

ClinVar aggregate classification (germline): Likely benign (0 of 4 stars; one submission).

Conditions:
GLI3-related disorder. Also called: GLI3-related disorders; GLI3-related condition. Identifiers: MedGen CN239292.

Allele frequency attached by ClinVar (database versions not stated): gnomAD exomes below 0.00001.
gnomAD v4.1: 2 of 1,613,186 alleles (0.00012%); highest among the groups gnomAD compares: Non-Finnish European, 0.00017%; no homozygotes.

Submission:

PreventionGenetics, part of Exact Sciences
Classification: Likely benign for GLI3-related condition. Last evaluated: 2023-04-11. Review status: no assertion criteria provided. Collection method: clinical testing. Allele origin: germline.
Comment: This variant is classified as likely benign based on ACMG/AMP sequence variant interpretation guidelines (Richards et al. 2015 PMID: 25741868, with internal and published modifications).